The following is an entry in ClinVar:

ClinVar aggregate classification (germline): Uncertain significance. Review status: criteria provided, single submitter (1 of 4 stars). 2 submissions from 2 submitters: Uncertain significance (1). 1 of the submissions does not count toward it. Last evaluated 2023-09-11.

Conditions:
Muscular dystrophy, congenital hearing loss, and ovarian insufficiency syndrome. Identifiers: MedGen C5561980, MONDO:0859189, OMIM 619518.

Allele frequency attached by ClinVar (database versions not stated): TOPMed 0.00001.
gnomAD v4.1: 30 of 1,548,240 alleles (0.0019%); highest among the groups gnomAD compares: Non-Finnish European, 0.0027%; no homozygotes.

Submissions (2):

GeneDx
Classification: Uncertain significance. Last evaluated: 2023-09-11. Review status: criteria provided, single submitter. Criteria: GeneDx Variant Classification Process June 2021. Collection method: clinical testing. Allele origin: germline. Affected: yes.
Comment: Reported with a second GGPS1 variant, phase unknown, in a patient with sensorineural hearing loss, wheelchair dependence, respiratory insufficiency, scoliosis, and failure to thrive (Foley et al., 2020); please note Foley et al. report the variant as c.127C>T p.Phe15Ser; In silico analysis supports that this missense variant has a deleterious effect on protein structure/function; Not observed at significant frequency in large population cohorts (gnomAD); This variant is associated with the following publications: (PMID: 32403198)

OMIM
Classification: Pathogenic for MUSCULAR DYSTROPHY, CONGENITAL HEARING LOSS, AND OVARIAN INSUFFICIENCY SYNDROME. Last evaluated: 2021-09-08. Review status: no assertion criteria provided. Collection method: literature only. Allele origin: germline. Not counted in ClinVar's aggregate classification.

Literature cited by the submitters: PubMed 32403198 (cited by OMIM).

NM_004837.4(GGPS1):c.43C>T (p.Pro15Ser)

Gene: GGPS1 (geranylgeranyl diphosphate synthase 1; plus strand). Cytogenetic location: 1q42.3.
Variant type: single nucleotide variant.
Coding change: c.43C>T on transcript NM_004837.4 (MANE Select); coding-DNA position 43, C replaced by T.
Protein change: p.Pro15Ser; replaces proline 15 with serine.
Molecular consequence: missense variant. On other transcripts: intron variant (1).
Genome position (GRCh38, 1-based): chr1:235,335,307, C>T. VCF-style: chr1-235335307-C-T. GRCh37 (hg19) VCF-style: chr1-235498622-C-T.
Other names: P15S; c.127C>T (NM_001037277.1); c.43C>T, p.Pro15Ser (NM_001037277.1, NM_001371477.1, NM_001371478.1); c.-92-6401C>T (NM_001037278.2).
Identifiers: ClinVar variation 1232303 (VCV001232303.3), dbSNP rs1675831066, ClinGen allele CA344978458.